The following is an entry in ClinVar:

ClinVar aggregate classification (germline): Uncertain significance (1 of 4 stars; one submission).

Submission:

Dasa
Classification: Uncertain significance. Last evaluated: 2025-09-01. Review status: criteria provided, single submitter. Criteria: DASA Assertion Criteria. Collection method: clinical testing. Allele origin: germline.
Comment: NM_003560.4(PLA2G6):c.1786C>A (p.Leu596Ile) is a missense variant that results in the substitution of leucine with isoleucine. The affected residue or protein region has prior evidence supporting clinical relevance. This variant is absent from population databases. Computational prediction algorithms are consistent with a deleterious effect. The currently available literature and clinical evidence are not sufficient to establish a definitive association between this variant and the reported condition. Therefore, this variant is classified as a variant of uncertain significance.

NM_003560.4(PLA2G6):c.1786C>A (p.Leu596Ile)

Gene: PLA2G6 (phospholipase A2 group VI; minus strand). Cytogenetic location: 22q13.1.
Variant type: single nucleotide variant.
Coding change: c.1786C>A on transcript NM_003560.4 (MANE Select); coding-DNA position 1786, C replaced by A.
Protein change: p.Leu596Ile; replaces leucine 596 with isoleucine.
Molecular consequence: missense variant.
Genome position (GRCh38, 1-based): chr22:38,116,168, G>T on the plus strand (C>A on the coding strand, the complement: PLA2G6 is on the minus strand). VCF-style: chr22-38116168-G-T. GRCh37 (hg19) VCF-style: chr22-38512175-G-T.
Other names: c.1624C>A, p.Leu542Ile (NM_001004426.3, NM_001199562.3, NM_001349865.2 and 1 more transcripts); c.1786C>A, p.Leu596Ile (NM_001349864.2); c.1252C>A, p.Leu418Ile (NM_001349867.2); c.1108C>A, p.Leu370Ile (NM_001349868.2); c.1090C>A, p.Leu364Ile (NM_001349869.2); short protein forms L364I, L370I, L418I, L542I, L596I.
Identifiers: ClinVar variation 4886234 (VCV004886234.2).